The following is an entry in ClinVar:

NM_022124.6(CDH23):c.1712G>A (p.Arg571Gln)

Gene: CDH23 (cadherin related 23; plus strand). Cytogenetic location: 10q22.1.
Variant type: single nucleotide variant.
Coding change: c.1712G>A on transcript NM_022124.6 (MANE Select); coding-DNA position 1712, G replaced by A.
Protein change: p.Arg571Gln; replaces arginine 571 with glutamine.
Molecular consequence: missense variant.
Genome position (GRCh38, 1-based): chr10:71,677,653, G>A. VCF-style: chr10-71677653-G-A. GRCh37 (hg19) VCF-style: chr10-73437410-G-A.
Other names: c.1712G>A, p.Arg571Gln (NM_001171930.2, NM_001171931.2); short protein forms R571Q.
Identifiers: ClinVar variation 3265276 (VCV003265276.2).

ClinVar aggregate classification (germline): Uncertain significance. Review status: criteria provided, multiple submitters, no conflicts (2 of 4 stars). 2 submissions from 2 submitters: Uncertain significance (2). Last evaluated 2026-01-20.

Conditions:
CDH23-related disorder. Also called: CDH23-related disorders; CDH23-related condition.
Inborn genetic diseases. Identifiers: MedGen C0950123, MeSH D030342.

gnomAD v4.1: 5 of 1,578,156 alleles (0.00032%); highest among the groups gnomAD compares: East Asian, 0.0023%; no homozygotes.

Submissions (2):

PreventionGenetics, part of Exact Sciences
Classification: Uncertain significance for CDH23-related condition. Last evaluated: 2026-01-20. Review status: criteria provided, single submitter. Criteria: ACMG Guidelines, 2015. Collection method: clinical testing. Allele origin: germline.
Comment: The CDH23 c.1712G>A variant is predicted to result in the amino acid substitution p.Arg571Gln. To our knowledge, this variant has not been reported in the literature. This variant is reported in 0.0075% of alleles in individuals of East Asian descent in gnomAD. At this time, the clinical significance of this variant is uncertain due to the absence of conclusive functional and genetic evidence.

Ambry Genetics
Classification: Uncertain significance for Inborn genetic diseases. Last evaluated: 2024-06-07. Review status: criteria provided, single submitter. Criteria: Ambry Variant Classification Scheme 2023. Collection method: clinical testing. Allele origin: germline.